The following is an entry in ClinVar:

NM_007046.4(EMILIN1):c.1647G>A (p.Gln549=)

Gene: EMILIN1 (elastin microfibril interfacer 1; plus strand). Cytogenetic location: 2p23.3.
Variant type: single nucleotide variant.
Coding change: c.1647G>A on transcript NM_007046.4 (MANE Select); coding-DNA position 1647, G replaced by A.
Protein change: p.Gln549=; no amino-acid change (glutamine 549 retained).
Molecular consequence: synonymous variant.
Genome position (GRCh38, 1-based): chr2:27,083,218, G>A. VCF-style: chr2-27083218-G-A. GRCh37 (hg19) VCF-style: chr2-27306086-G-A.
Identifiers: ClinVar variation 5039364 (VCV005039364.1).

ClinVar aggregate classification (germline): Likely benign (1 of 4 stars; one submission).

gnomAD v4.1: 55 of 1,611,992 alleles (0.0034%); highest among the groups gnomAD compares: South Asian, 0.054%; 1 homozygote.

Submission:

CeGaT Center for Human Genetics Tuebingen
Classification: Likely benign. Last evaluated: 2026-08-01. Review status: criteria provided, single submitter. Criteria: CeGaT Center For Human Genetics Tuebingen Variant Classification Criteria Version 2. Collection method: clinical testing. Allele origin: germline. Affected: yes. Observed: 1 variant allele.
Comment: EMILIN1: BP4, BP7